The following is an entry in ClinVar:

ClinVar aggregate classification (germline): Uncertain significance (1 of 4 stars; one submission).

Conditions:
Nemaline myopathy 2 (NEM2). Also called: Nemaline myopathy 2, autosomal recessive. Identifiers: MedGen C1850569, MONDO:0009725, OMIM 256030.

Allele frequency attached by ClinVar (database versions not stated): gnomAD exomes below 0.00001.
gnomAD v4.1: 2 of 1,579,022 alleles (0.00013%); highest among the groups gnomAD compares: Non-Finnish European, 0.00017%; no homozygotes.

Submission:

Labcorp Genetics (formerly Invitae), Labcorp
Classification: Uncertain significance for Nemaline myopathy 2. Last evaluated: 2022-08-21. Review status: criteria provided, single submitter. Criteria: Invitae Variant Classification Sherloc (09022015). Collection method: clinical testing. Allele origin: germline.
Comment: This sequence change replaces alanine, which is neutral and non-polar, with valine, which is neutral and non-polar, at codon 6291 of the NEB protein (p.Ala6291Val). This variant is not present in population databases (gnomAD no frequency). This variant has not been reported in the literature in individuals affected with NEB-related conditions. Algorithms developed to predict the effect of missense changes on protein structure and function are either unavailable or do not agree on the potential impact of this missense change (SIFT: "Deleterious"; PolyPhen-2: "Not Available"; Align-GVGD: "Class C0"). In summary, the available evidence is currently insufficient to determine the role of this variant in disease. Therefore, it has been classified as a Variant of Uncertain Significance.

NM_001164508.2(NEB):c.18872C>T (p.Ala6291Val)

Gene: NEB (nebulin; minus strand). Cytogenetic location: 2q23.3.
Variant type: single nucleotide variant.
Coding change: c.18872C>T on transcript NM_001164508.2 (MANE Select); coding-DNA position 18872, C replaced by T.
Protein change: p.Ala6291Val; replaces alanine 6291 with valine.
Molecular consequence: missense variant.
Genome position (GRCh38, 1-based): chr2:151,562,630, G>A on the plus strand (C>T on the coding strand, the complement: NEB is on the minus strand). VCF-style: chr2-151562630-G-A. GRCh37 (hg19) VCF-style: chr2-152419144-G-A.
Other names: c.18872C>T, p.Ala6291Val (NM_001164507.2, NM_001271208.2); c.13769C>T, p.Ala4590Val (NM_004543.5); short protein forms A6291V, A4590V.
Identifiers: ClinVar variation 1925062 (VCV001925062.2), dbSNP rs2096141971, ClinGen allele CA348797342.